The following is an entry in ClinVar:

NM_144499.3(GNAT1):c.866C>T (p.Pro289Leu)

Gene: GNAT1 (G protein subunit alpha transducin 1; plus strand). Cytogenetic location: 3p21.31.
Variant type: single nucleotide variant.
Coding change: c.866C>T on transcript NM_144499.3 (MANE Select); coding-DNA position 866, C replaced by T.
Protein change: p.Pro289Leu; replaces proline 289 with leucine.
Molecular consequence: missense variant.
Genome position (GRCh38, 1-based): chr3:50,194,768, C>T. VCF-style: chr3-50194768-C-T. GRCh37 (hg19) VCF-style: chr3-50232201-C-T.
Other names: c.866C>T, p.Pro289Leu (NM_000172.4); short protein forms P289L.
Identifiers: ClinVar variation 1716544 (VCV001716544.5), dbSNP rs2546147653, ClinGen allele CA352918760.
Genomic context (GRCh38, chr3:50,194,768, plus strand): 5'-GCACCCCCCGCACGGGGAAGGAAGGGCTGAGCAGAGTGAGAGCTCCCGCCCCCGCAGGAC[C>T]CAACACCTACGAGGACGCCGGCAACTACATCAAGGTGCAGTTCCTCGAGCTCAACATGCG-3'
Protein context (NP_653082.1, residues 279-299): LSICFPDYDG[Pro289Leu]NTYEDAGNYI

ClinVar aggregate classification (germline): Uncertain significance (1 of 4 stars; one submission).

Submission:

Labcorp Genetics (formerly Invitae), Labcorp
Classification: Uncertain significance. Last evaluated: 2023-05-15. Review status: criteria provided, single submitter. Criteria: Invitae Variant Classification Sherloc (09022015). Collection method: clinical testing. Allele origin: germline.
Comment: In summary, the available evidence is currently insufficient to determine the role of this variant in disease. Therefore, it has been classified as a Variant of Uncertain Significance. Advanced modeling of protein sequence and biophysical properties (such as structural, functional, and spatial information, amino acid conservation, physicochemical variation, residue mobility, and thermodynamic stability) performed at Invitae indicates that this missense variant is not expected to disrupt GNAT1 protein function. ClinVar contains an entry for this variant (Variation ID: 1716544). This variant has not been reported in the literature in individuals affected with GNAT1-related conditions. This variant is not present in population databases (gnomAD no frequency). This sequence change replaces proline, which is neutral and non-polar, with leucine, which is neutral and non-polar, at codon 289 of the GNAT1 protein (p.Pro289Leu).